The following is an entry in ClinVar:

ClinVar aggregate classification (germline): Uncertain significance. Review status: criteria provided, multiple submitters, no conflicts (2 of 4 stars). 2 submissions from 2 submitters: Uncertain significance (2). Last evaluated 2024-11-28.

Conditions:
Inborn genetic diseases. Identifiers: MedGen C0950123, MeSH D030342.

Allele frequency attached by ClinVar (database versions not stated): gnomAD exomes below 0.00001; TOPMed 0.00001.

Submissions (2):

Ambry Genetics
Classification: Uncertain significance for Inborn genetic diseases. Last evaluated: 2024-11-28. Review status: criteria provided, single submitter. Criteria: Ambry Variant Classification Scheme 2023. Collection method: clinical testing. Allele origin: germline.
Comment: The p.A201V variant (also known as c.602C>T), located in coding exon 1 of the SAMD9L gene, results from a C to T substitution at nucleotide position 602. The alanine at codon 201 is replaced by valine, an amino acid with similar properties. This amino acid position is conserved. In addition, this alteration is predicted to be tolerated by in silico analysis. Based on the available evidence, the clinical significance of this variant remains unclear.

Labcorp Genetics (formerly Invitae), Labcorp
Classification: Uncertain significance. Last evaluated: 2022-10-27. Review status: criteria provided, single submitter. Criteria: Invitae Variant Classification Sherloc (09022015). Collection method: clinical testing. Allele origin: germline.
Comment: In summary, the available evidence is currently insufficient to determine the role of this variant in disease. Therefore, it has been classified as a Variant of Uncertain Significance. Algorithms developed to predict the effect of missense changes on protein structure and function are either unavailable or do not agree on the potential impact of this missense change (SIFT: "Not Available"; PolyPhen-2: "Possibly Damaging"; Align-GVGD: "Not Available"). This variant has not been reported in the literature in individuals affected with SAMD9L-related conditions. This variant is present in population databases (no rsID available, gnomAD 0.006%). This sequence change replaces alanine, which is neutral and non-polar, with valine, which is neutral and non-polar, at codon 201 of the SAMD9L protein (p.Ala201Val).

NM_152703.5(SAMD9L):c.602C>T (p.Ala201Val)

Gene: SAMD9L (sterile alpha motif domain containing 9 like; minus strand). Cytogenetic location: 7q21.2.
Variant type: single nucleotide variant.
Coding change: c.602C>T on transcript NM_152703.5 (MANE Select); coding-DNA position 602, C replaced by T.
Protein change: p.Ala201Val; replaces alanine 201 with valine.
Molecular consequence: missense variant.
Genome position (GRCh38, 1-based): chr7:93,135,370, G>A on the plus strand (C>T on the coding strand, the complement: SAMD9L is on the minus strand). VCF-style: chr7-93135370-G-A. GRCh37 (hg19) VCF-style: chr7-92764683-G-A.
Other names: c.602C>T, p.Ala201Val (NM_001303496.3, NM_001303497.3, NM_001303498.3 and 5 more transcripts); c.602C>T (NM_152703.2); short protein forms A201V.
Identifiers: ClinVar variation 2174055 (VCV002174055.5), dbSNP rs1041245121, ClinGen allele CA161963173.
Genomic context (GRCh38, chr7:93,135,370, plus strand): 5'-ACTTCATTGCTGAATTTCATCTTAATGTCCACTTCCGTGGCTGTTTCTGTGTTTGTGAGA[G>A]CTTTGAACTCATGTATTGGATCAATGAGATTGAGTGCTCCTGTTTCAGGTTGTAGAGTAT-3'
Protein context (NP_689916.2, residues 191-211): NLIDPIHEFK[Ala201Val]LTNTETATEV